The following is an entry in ClinVar:

ClinVar aggregate classification (germline): Uncertain significance (1 of 4 stars; one submission).

Conditions:
Hereditary cancer-predisposing syndrome. Also called: Neoplastic Syndromes, Hereditary; Hereditary Cancer Syndrome; Hereditary neoplastic syndrome; Tumor predisposition. Identifiers: Orphanet 140162, MedGen C0027672, MeSH D009386, MONDO:0015356.

Submission:

Ambry Genetics
Classification: Uncertain significance for Hereditary cancer-predisposing syndrome. Last evaluated: 2023-04-19. Review status: criteria provided, single submitter. Criteria: Ambry Variant Classification Scheme 2023. Collection method: clinical testing. Allele origin: germline.
Comment: The p.E991K variant (also known as c.2971G>A), located in coding exon 18 of the RET gene, results from a G to A substitution at nucleotide position 2971. The glutamic acid at codon 991 is replaced by lysine, an amino acid with similar properties. This amino acid position is conserved. In addition, this alteration is predicted to be deleterious by in silico analysis. Since supporting evidence is limited at this time, the clinical significance of this alteration remains unclear.

NM_020975.6(RET):c.2971G>A (p.Glu991Lys)

Gene: RET (ret proto-oncogene; plus strand). Cytogenetic location: 10q11.21.
Variant type: single nucleotide variant.
Coding change: c.2971G>A on transcript NM_020975.6 (MANE Select); coding-DNA position 2971, G replaced by A.
Protein change: p.Glu991Lys; replaces glutamic acid 991 with lysine.
Molecular consequence: missense variant.
Genome position (GRCh38, 1-based): chr10:43,124,914, G>A. VCF-style: chr10-43124914-G-A. GRCh37 (hg19) VCF-style: chr10-43620362-G-A.
Other names: c.2971G>A, p.Glu991Lys (NM_000323.2, NM_001406743.1, NM_001406744.1 and 4 more transcripts); c.2209G>A, p.Glu737Lys (NM_001355216.2); c.2842G>A, p.Glu948Lys (NM_001406761.1, NM_001406762.1, NM_001406764.1); c.2836G>A, p.Glu946Lys (NM_001406763.1, NM_001406765.1); c.2683G>A, p.Glu895Lys (NM_001406766.1, NM_001406767.1, NM_001406770.1); c.2707G>A, p.Glu903Lys (NM_001406768.1); c.2575G>A, p.Glu859Lys (NM_001406769.1, NM_001406772.1); c.2533G>A, p.Glu845Lys (NM_001406771.1, NM_001406773.1); and 10 more; short protein forms E647K, E649K, E661K, E845K, E737K, E859K, E948K, E596K.
Identifiers: ClinVar variation 2562600 (VCV002562600.2), dbSNP rs2538626445, ClinGen allele CA376558097.